The following is an entry in ClinVar:

ClinVar aggregate classification (germline): Uncertain significance (1 of 4 stars; one submission).

gnomAD v4.1: 2 of 700,314 alleles (0.00029%); highest among the groups gnomAD compares: African/African-American, 0.0017%; no homozygotes.

Submission:

Labcorp Genetics (formerly Invitae), Labcorp
Classification: Uncertain significance. Last evaluated: 2022-03-23. Review status: criteria provided, single submitter. Criteria: Invitae Variant Classification Sherloc (09022015). Collection method: clinical testing. Allele origin: germline.
Comment: This variant is not present in population databases (gnomAD no frequency). This variant has not been reported in the literature in individuals affected with RNU4ATAC-related conditions. Experimental studies and prediction algorithms are not available or were not evaluated, and the functional significance of this variant is currently unknown. In summary, the available evidence is currently insufficient to determine the role of this variant in disease. Therefore, it has been classified as a Variant of Uncertain Significance. This variant occurs in the RNU4ATAC gene, which encodes an RNA molecule that does not result in a protein product.

NC_000002.12:g.121530936A>C

Genes: CLASP1 (cytoplasmic linker associated protein 1; minus strand), CLASP1-AS1 (CLASP1 antisense RNA 1; plus strand), RNU4ATAC (RNA, U4atac small nuclear; plus strand). Cytogenetic location: 2q14.2.
Variant type: single nucleotide variant.
Molecular consequence: intron variant (on NM_001395891.1).
Genome position: GRCh38 VCF-style: chr2-121530936-A-C. GRCh37 (hg19) VCF-style: chr2-122288512-A-C.
Other names: c.196-611T>G (NM_001142274.2, NM_015282.3, NM_001378003.1 and 5 more transcripts).
Identifiers: ClinVar variation 2114564 (VCV002114564.4), dbSNP rs72969388, ClinGen allele CA428887982.